The following is an entry in ClinVar:

NM_015102.5(NPHP4):c.2229C>G (p.Ala743=)

Gene: NPHP4 (nephrocystin 4; minus strand). Cytogenetic location: 1p36.31.
Variant type: single nucleotide variant.
Coding change: c.2229C>G on transcript NM_015102.5 (MANE Select); coding-DNA position 2229, C replaced by G.
Protein change: p.Ala743=; no amino-acid change (alanine 743 retained).
Molecular consequence: synonymous variant. On other transcripts: non-coding transcript variant (1).
Genome position (GRCh38, 1-based): chr1:5,890,943, G>C on the plus strand (C>G on the coding strand, the complement: NPHP4 is on the minus strand). VCF-style: chr1-5890943-G-C. GRCh37 (hg19) VCF-style: chr1-5951003-G-C.
Other names: c.690C>G, p.Ala230= (NM_001291593.2); c.693C>G, p.Ala231= (NM_001291594.2).
Identifiers: ClinVar variation 3345486 (VCV003345486.1).
Genomic context (GRCh38, chr1:5,890,943, plus strand): 5'-AGCAGATCCGATGAGCAGCAGGGAGTCTCCGTCCCAGACGTCAATCTGCAGGGTCTGCAC[G>C]GCCAGGTAGCGGGCAAAGCAGCGCCGCTCACCTGGCTTCAGGAACCCAGGGCCCACCATG-3'
Protein context (NP_055917.1, residues 733-753): GERRCFARYL[Ala743=]VQTLQIDVWD

ClinVar aggregate classification (germline): Likely benign (0 of 4 stars; one submission).

Conditions:
NPHP4-related disorder. Also called: NPHP4-related condition; NPHP4-related disorders. Identifiers: MedGen CN239384.

gnomAD v4.1: 2 of 1,606,170 alleles (0.00012%); highest among the groups gnomAD compares: South Asian, 0.0011%; no homozygotes.

Submission:

PreventionGenetics, part of Exact Sciences
Classification: Likely benign for NPHP4-related condition. Last evaluated: 2024-09-12. Review status: no assertion criteria provided. Collection method: clinical testing. Allele origin: germline.
Comment: This variant is classified as likely benign based on ACMG/AMP sequence variant interpretation guidelines (Richards et al. 2015 PMID: 25741868, with internal and published modifications).